The following is an entry in ClinVar:

ClinVar aggregate classification (germline): Uncertain significance (1 of 4 stars; one submission).

Conditions:
Hereditary cancer-predisposing syndrome. Also called: Neoplastic Syndromes, Hereditary; Hereditary neoplastic syndrome; Tumor predisposition; Hereditary Cancer Syndrome. Identifiers: Orphanet 140162, MedGen C0027672, MeSH D009386, MONDO:0015356.

Submission:

Ambry Genetics
Classification: Uncertain significance for Hereditary cancer-predisposing syndrome. Last evaluated: 2026-02-04. Review status: criteria provided, single submitter. Criteria: Ambry Variant Classification Scheme 2023. Collection method: clinical testing. Allele origin: germline.
Comment: The c.6842-8_6842-6delCTT intronic variant, located in intron 10 of the BRCA2 gene, results from a deletion of 3 nucleotides within intron 10 of the BRCA2 gene. These nucleotide positions are not well conserved in available vertebrate species. In silico splice site analysis predicts that this alteration may weaken the native splice acceptor site; however direct evidence is insufficient at this time (Ambry internal data). The predicted aberrant transcript would lead to a protein with an in-frame deletion of coding exon 11 (also known as exon 12 in the literature; Meulemans L et al. Cancer Res, 2020 04;80:1374-1386). Of note, this exon may be clinically dispensable based on partially retained homology directed DNA repair activity (Meulemans L et al. Cancer Res, 2020 04;80:1374-1386). In addition, the literature describes a patient with a different splice variant causing coding exon 11 skipping variant in trans with a truncating BRCA2 variant in an individual without apparent Fanconi Anemia; although the degree of exon skipping is uncertain (Li L et al. Hum. Mutat., 2009 Nov;30:1543-50; Meulemans L et al. Cancer Res, 2020 04;80:1374-1386). Thus, the clinical impact impact for any aberrant splicing resulting from this variant is uncertain at this time. Based on the available evidence, the clinical significance of this variant remains unclear.

NM_000059.4(BRCA2):c.6842-8_6842-6del

Gene: BRCA2 (BRCA2 DNA repair associated; plus strand). Cytogenetic location: 13q13.1.
Variant type: Deletion.
Coding change: c.6842-8_6842-6del on transcript NM_000059.4 (MANE Select); 8 bases into the intron before coding-DNA position 6842 through 6 bases into the intron before coding-DNA position 6842, 3 bases deleted (CTT; older notation c.6842-8_6842-6delCTT).
Molecular consequence: intron variant.
Genome position (GRCh38, 1-based): chr13:32,344,550-32,344,552, CTT deleted; deleting any 3 consecutive bases within chr13:32,344,548-32,344,552 gives the same sequence; the c. name uses the placement nearest the transcript's 3' end. VCF-style (leftmost placement, unchanged base first): chr13-32344547-TTTC-T. GRCh37 (hg19) VCF-style: chr13-32918684-TTTC-T.
Other names: c.6842-8_6842-6del (NM_001432077.1, NM_001406720.1); c.6842-2277_6842-2275del (NM_001406719.1); c.1910-8_1910-6del (NM_001406721.1); c.425-8_425-6del (NM_001406722.1).
Identifiers: ClinVar variation 4824534 (VCV004824534.1).